The following is an entry in ClinVar:

ClinVar aggregate classification (germline): Uncertain significance (0 of 4 stars; one submission).

Conditions:
SETX-related disorder. Also called: SETX-related condition; SETX-related disorders. Identifiers: MedGen CN239403.

gnomAD v4.1: 2 of 1,614,082 alleles (0.00012%); highest among the groups gnomAD compares: Non-Finnish European, 0.00017%; no homozygotes.

Submission:

PreventionGenetics, part of Exact Sciences
Classification: Uncertain significance for SETX-related condition. Last evaluated: 2024-07-19. Review status: no assertion criteria provided. Collection method: clinical testing. Allele origin: germline.
Comment: The SETX c.82G>A variant is predicted to result in the amino acid substitution p.Gly28Ser. To our knowledge, this variant has not been reported in the literature or in a large population database, indicating this variant is rare. At this time, the clinical significance of this variant is uncertain due to the absence of conclusive functional and genetic evidence.

NM_015046.7(SETX):c.82G>A (p.Gly28Ser)

Gene: SETX (senataxin; minus strand). Cytogenetic location: 9q34.13.
Variant type: single nucleotide variant.
Coding change: c.82G>A on transcript NM_015046.7 (MANE Select); coding-DNA position 82, G replaced by A.
Protein change: p.Gly28Ser; replaces glycine 28 with serine.
Molecular consequence: missense variant.
Genome position (GRCh38, 1-based): chr9:132,349,347, C>T on the plus strand (G>A on the coding strand, the complement: SETX is on the minus strand). VCF-style: chr9-132349347-C-T. GRCh37 (hg19) VCF-style: chr9-135224734-C-T.
Other names: c.82G>A, p.Gly28Ser (NM_001351527.2, NM_001351528.2); short protein forms G28S.
Identifiers: ClinVar variation 3357186 (VCV003357186.1).
Genomic context (GRCh38, chr9:132,349,347, plus strand): 5'-GGTACTCAGCCACACACTCCAAGCAGTAGCAGAGGTCTTCGTCGGCTGTTTGAAATTCAC[C>T]GGACGGAGTGTTGGAAGCATAGCGCTTTAGGAAGTCAATGGTGGAAGCACCACCTGGCGT-3'
Protein context (NP_055861.3, residues 18-38): LKRYASNTPS[Gly28Ser]EFQTADEDLC